The following is an entry in ClinVar:

ClinVar aggregate classification (germline): Uncertain significance. Review status: criteria provided, multiple submitters, no conflicts (2 of 4 stars). 2 submissions from 2 submitters: Uncertain significance (2). Last evaluated 2024-06-07.

Conditions:
Glycogen storage disease, type V (GSD5). Also called: MCARDLE DISEASE; MUSCLE GLYCOGEN PHOSPHORYLASE DEFICIENCY; MYOPHOSPHORYLASE DEFICIENCY; PYGM DEFICIENCY; McArdle type glycogen storage disease. Identifiers: Orphanet 368, MedGen C0017924, MONDO:0009293, OMIM 232600.

Allele frequency attached by ClinVar (database versions not stated): gnomAD exomes 0.00001; ExAC 0.00002; gnomAD 0.00003; TOPMed 0.00005.
gnomAD v4.1: 16 of 1,614,040 alleles (0.00099%); highest among the groups gnomAD compares: Middle Eastern, 0.016%; no homozygotes.

Submissions (2):

Fulgent Genetics
Classification: Uncertain significance for Glycogen storage disease, type V. Last evaluated: 2024-06-07. Review status: criteria provided, single submitter. Criteria: ACMG Guidelines, 2015. Collection method: clinical testing. Allele origin: germline.

Labcorp Genetics (formerly Invitae), Labcorp
Classification: Uncertain significance for Glycogen storage disease, type V. Last evaluated: 2022-02-12. Review status: criteria provided, single submitter. Criteria: Invitae Variant Classification Sherloc (09022015). Collection method: clinical testing. Allele origin: germline.
Comment: This sequence change replaces threonine, which is neutral and polar, with methionine, which is neutral and non-polar, at codon 198 of the PYGM protein (p.Thr198Met). This variant is present in population databases (rs762354482, gnomAD 0.007%). This variant has not been reported in the literature in individuals affected with PYGM-related conditions. Algorithms developed to predict the effect of missense changes on protein structure and function output the following: SIFT: "Not Available"; PolyPhen-2: "Benign"; Align-GVGD: "Not Available". The methionine amino acid residue is found in multiple mammalian species, which suggests that this missense change does not adversely affect protein function. In summary, the available evidence is currently insufficient to determine the role of this variant in disease. Therefore, it has been classified as a Variant of Uncertain Significance.

NM_005609.4(PYGM):c.593C>T (p.Thr198Met)

Gene: PYGM (glycogen phosphorylase, muscle associated; minus strand). Cytogenetic location: 11q13.1.
Variant type: single nucleotide variant.
Coding change: c.593C>T on transcript NM_005609.4 (MANE Select); coding-DNA position 593, C replaced by T.
Protein change: p.Thr198Met; replaces threonine 198 with methionine.
Molecular consequence: missense variant.
Genome position (GRCh38, 1-based): chr11:64,757,846, G>A on the plus strand (C>T on the coding strand, the complement: PYGM is on the minus strand). VCF-style: chr11-64757846-G-A. GRCh37 (hg19) VCF-style: chr11-64525318-G-A.
Other names: c.329C>T, p.Thr110Met (NM_001164716.1); short protein forms T198M, T110M.
Identifiers: ClinVar variation 1904197 (VCV001904197.3), dbSNP rs762354482, ClinGen allele CA6080195.